The following is an entry in ClinVar:

ClinVar aggregate classification (germline): Uncertain significance (1 of 4 stars; one submission).

Conditions:
Early-infantile DEE. Also called: Early infantile epileptic encephalopathy; Ohtahara syndrome; Early infantile epileptic encephalopathy with suppression bursts. Identifiers: Orphanet 1934, MedGen C0393706, MONDO:0800491.

gnomAD v4.1: 3 of 1,596,826 alleles (0.00019%); highest among the groups gnomAD compares: Middle Eastern, 0.016%; no homozygotes.

Submission:

Labcorp Genetics (formerly Invitae), Labcorp
Classification: Uncertain significance for Early-infantile DEE. Last evaluated: 2022-08-03. Review status: criteria provided, single submitter. Criteria: Invitae Variant Classification Sherloc (09022015). Collection method: clinical testing. Allele origin: germline.
Comment: In summary, the available evidence is currently insufficient to determine the role of this variant in disease. Therefore, it has been classified as a Variant of Uncertain Significance. Algorithms developed to predict the effect of missense changes on protein structure and function are either unavailable or do not agree on the potential impact of this missense change (SIFT: "Deleterious"; PolyPhen-2: "Probably Damaging"; Align-GVGD: "Class C0"). This variant has not been reported in the literature in individuals affected with KCNQ2-related conditions. This variant is not present in population databases (gnomAD no frequency). This sequence change replaces proline, which is neutral and non-polar, with glutamine, which is neutral and polar, at codon 666 of the KCNQ2 protein (p.Pro666Gln).

NM_172107.4(KCNQ2):c.1997C>A (p.Pro666Gln)

Gene: KCNQ2 (potassium voltage-gated channel subfamily Q member 2; minus strand). Cytogenetic location: 20q13.33.
Variant type: single nucleotide variant.
Coding change: c.1997C>A on transcript NM_172107.4 (MANE Select); coding-DNA position 1997, C replaced by A.
Protein change: p.Pro666Gln; replaces proline 666 with glutamine.
Molecular consequence: missense variant.
Genome position (GRCh38, 1-based): chr20:63,407,266, G>T on the plus strand (C>A on the coding strand, the complement: KCNQ2 is on the minus strand). VCF-style: chr20-63407266-G-T. GRCh37 (hg19) VCF-style: chr20-62038619-G-T.
Other names: c.2051C>A, p.Pro684Gln (NM_001382235.1); c.1913C>A, p.Pro638Gln (NM_004518.6); c.1943C>A, p.Pro648Gln (NM_172106.3); c.1904C>A, p.Pro635Gln (NM_172108.5); short protein forms P684Q, P638Q, P635Q, P666Q, P648Q.
Identifiers: ClinVar variation 2197359 (VCV002197359.4), dbSNP rs762130930, ClinGen allele CA409639217.